The following is an entry in ClinVar:

NM_003900.5(SQSTM1):c.301+12C>G

Gene: SQSTM1 (sequestosome 1; plus strand). Cytogenetic location: 5q35.3.
Variant type: single nucleotide variant.
Coding change: c.301+12C>G on transcript NM_003900.5 (MANE Select); 12 bases into the intron after coding-DNA position 301, C replaced by G.
Molecular consequence: intron variant.
Genome position (GRCh38, 1-based): chr5:179,823,065, C>G. VCF-style: chr5-179823065-C-G. GRCh37 (hg19) VCF-style: chr5-179250065-C-G.
Other names: c.49+12C>G (NM_001142298.2, NM_001142299.2).
Identifiers: ClinVar variation 907324 (VCV000907324.12), dbSNP rs141530539, ClinGen allele CA3600441.

ClinVar aggregate classification (germline): Benign/Likely benign. Review status: criteria provided, multiple submitters, no conflicts (2 of 4 stars). 3 submissions from 3 submitters: Benign (1); Likely benign (2). Last evaluated 2025-12-22.

Conditions:
Frontotemporal dementia and/or amyotrophic lateral sclerosis 1 (FTDALS1). Also called: Frontotemporal dementia with motor neuron disease 1; C9orf72 Frontotemporal Dementia and/or Amyotrophic Lateral Sclerosis. Identifiers: Orphanet 275872, MedGen C5779877, MONDO:0007105, OMIM 105550.
Paget disease of bone 2, early-onset (PDB2). Also called: Paget disease of bone 2. Identifiers: MedGen C4085251, MONDO:0011183, OMIM 602080.
Paget disease of bone 3. Identifiers: MedGen C4085252, MONDO:0008176, OMIM 167250.

Allele frequency attached by ClinVar (database versions not stated): gnomAD 0.00003 and 0.00012; TOPMed 0.00010; ExAC 0.00021; 1000 Genomes Project 30x 0.00156; 1000 Genomes Project 0.00180.
gnomAD v4.1: 256 of 1,611,906 alleles (0.016%); highest among the groups gnomAD compares: East Asian, 0.53%; 3 homozygotes.

Submissions (3):

Labcorp Genetics (formerly Invitae), Labcorp
Classification: Benign for Paget disease of bone 2, early-onset; Frontotemporal dementia and/or amyotrophic lateral sclerosis 1. Last evaluated: 2025-12-22. Review status: criteria provided, single submitter. Criteria: Invitae Variant Classification Sherloc (09022015). Collection method: clinical testing. Allele origin: germline.

Blueprint Genetics
Classification: Likely benign. Last evaluated: 2024-11-25. Review status: criteria provided, single submitter. Criteria: ACMG Guidelines, 2015. Collection method: clinical testing. Allele origin: germline.

Illumina Laboratory Services, Illumina
Classification: Likely benign for Paget disease of bone 3. Last evaluated: 2017-06-14. Review status: criteria provided, single submitter. Criteria: ICSL Variant Classification Criteria 13 December 2019. Collection method: clinical testing. Allele origin: germline.
Comment: This variant was observed as part of a predisposition screen in an ostensibly healthy population. A literature search was performed for the gene, cDNA change, and amino acid change (where applicable). No publications were found based on this search. Allele frequency data from public databases allowed determination this variant is unlikely to cause disease. Therefore, this variant is classified as likely benign.